The following is an entry in ClinVar:

ClinVar aggregate classification (germline): Uncertain significance (1 of 4 stars; one submission).

Conditions:
Inborn genetic diseases. Identifiers: MedGen C0950123, MeSH D030342.

Submission:

Ambry Genetics
Classification: Uncertain significance for Inborn genetic diseases. Last evaluated: 2025-08-23. Review status: criteria provided, single submitter. Criteria: Ambry Variant Classification Scheme 2023. Collection method: clinical testing. Allele origin: germline.
Comment: The p.H238L variant (also known as c.713A>T), located in coding exon 1 of the SAMD9L gene, results from an A to T substitution at nucleotide position 713. The histidine at codon 238 is replaced by leucine, an amino acid with similar properties. This amino acid position is conserved. In addition, the in silico prediction for this alteration is inconclusive. Based on the available evidence, the clinical significance of this variant remains unclear.

NM_152703.5(SAMD9L):c.713A>T (p.His238Leu)

Gene: SAMD9L (sterile alpha motif domain containing 9 like; minus strand). Cytogenetic location: 7q21.2.
Variant type: single nucleotide variant.
Coding change: c.713A>T on transcript NM_152703.5 (MANE Select); coding-DNA position 713, A replaced by T.
Protein change: p.His238Leu; replaces histidine 238 with leucine.
Molecular consequence: missense variant.
Genome position (GRCh38, 1-based): chr7:93,135,259, T>A on the plus strand (A>T on the coding strand, the complement: SAMD9L is on the minus strand). VCF-style: chr7-93135259-T-A. GRCh37 (hg19) VCF-style: chr7-92764572-T-A.
Other names: c.713A>T, p.His238Leu (NM_001303496.3, NM_001303497.3, NM_001303498.3 and 5 more transcripts); short protein forms H238L.
Identifiers: ClinVar variation 4159434 (VCV004159434.1).